The following is an entry in ClinVar:

NM_002114.4(HIVEP1):c.636A>G (p.Gln212=)

Gene: HIVEP1 (HIVEP zinc finger 1; plus strand). Cytogenetic location: 6p24.1.
Variant type: single nucleotide variant.
Coding change: c.636A>G on transcript NM_002114.4 (MANE Select); coding-DNA position 636, A replaced by G.
Protein change: p.Gln212=; no amino-acid change (glutamine 212 retained).
Molecular consequence: synonymous variant.
Genome position (GRCh38, 1-based): chr6:12,120,431, A>G. VCF-style: chr6-12120431-A-G. GRCh37 (hg19) VCF-style: chr6-12120664-A-G.
Identifiers: ClinVar variation 2656228 (VCV002656228.24), dbSNP rs370931776, ClinGen allele CA3637083.

ClinVar aggregate classification (germline): Likely benign (1 of 4 stars; one submission).

Allele frequency attached by ClinVar (database versions not stated): TOPMed 0.00006; ESP Exome Variant Server 0.00008; gnomAD 0.00008; ExAC 0.00010; gnomAD exomes 0.00021.
gnomAD v4.1: 308 of 1,614,068 alleles (0.019%); highest among the groups gnomAD compares: Non-Finnish European, 0.025%; no homozygotes.

Submission:

CeGaT Center for Human Genetics Tuebingen
Classification: Likely benign. Last evaluated: 2022-06-01. Review status: criteria provided, single submitter. Criteria: CeGaT Center For Human Genetics Tuebingen Variant Classification Criteria Version 2. Collection method: clinical testing. Allele origin: germline. Affected: yes. Observed: 1 variant allele.
Comment: HIVEP1: BP4, BP7